The following is an entry in ClinVar:

NM_014946.4(SPAST):c.1174G>C (p.Ala392Pro)

Gene: SPAST (spastin; plus strand). Cytogenetic location: 2p22.3.
Variant type: single nucleotide variant.
Coding change: c.1174G>C on transcript NM_014946.4 (MANE Select); coding-DNA position 1174, G replaced by C.
Protein change: p.Ala392Pro; replaces alanine 392 with proline.
Molecular consequence: missense variant.
Genome position (GRCh38, 1-based): chr2:32,128,408, G>C. VCF-style: chr2-32128408-G-C. GRCh37 (hg19) VCF-style: chr2-32353477-G-C.
Other names: c.1171G>C, p.Ala391Pro (NM_001363823.2); c.1075G>C, p.Ala359Pro (NM_001363875.2); c.1078G>C, p.Ala360Pro (NM_001377959.1, NM_199436.2); short protein forms A392P, A359P, A360P, A391P.
Identifiers: ClinVar variation 586655 (VCV000586655.16), dbSNP rs1558331867, ClinGen allele CA346501360.

ClinVar aggregate classification (germline): Conflicting classifications of pathogenicity. Review status: criteria provided, conflicting classifications (1 of 4 stars). 5 submissions from 5 submitters: Likely pathogenic (2); Uncertain significance (2). 1 of the submissions does not count toward it. Last evaluated 2024-10-14.

Conditions:
Hereditary spastic paraplegia 4. Also called: Familial spastic paraplegia autosomal dominant 2; Spastic paraplegia 4, autosomal dominant; Spastic Paraplegia 4. Identifiers: Orphanet 100985, MedGen C1866855, MONDO:0008438, OMIM 182601.

Submissions (5):

Labcorp Genetics (formerly Invitae), Labcorp
Classification: Likely pathogenic for Hereditary spastic paraplegia 4. Last evaluated: 2024-10-14. Review status: criteria provided, single submitter. Criteria: Invitae Variant Classification Sherloc (09022015). Collection method: clinical testing. Allele origin: germline.
Comment: This sequence change replaces alanine, which is neutral and non-polar, with proline, which is neutral and non-polar, at codon 392 of the SPAST protein (p.Ala392Pro). This variant is not present in population databases (gnomAD no frequency). This missense change has been observed in individuals with clinical features of hereditary spastic paraplegia (PMID: 34906502; internal data). Invitae Evidence Modeling of clinical and family history, age, sex, and reported ancestry of multiple individuals with this SPAST variant has been performed. This variant is expected to be pathogenic with a positive predictive value of at least 99%. This is a validated machine learning model that incorporates the clinical features of 3,690 individuals referred to our laboratory for SPAST testing. ClinVar contains an entry for this variant (Variation ID: 586655). An algorithm developed to predict the effect of missense changes on protein structure and function (PolyPhen-2) suggests that this variant is likely to be disruptive. In summary, the currently available evidence indicates that the variant is pathogenic, but additional data are needed to prove that conclusively. Therefore, this variant has been classified as Likely Pathogenic.

Victorian Clinical Genetics Services, Murdoch Childrens Research Institute
Classification: Uncertain significance for Hereditary spastic paraplegia 4. Last evaluated: 2024-10-08. Review status: criteria provided, single submitter. Criteria: ACMG Guidelines, 2015. Collection method: clinical testing. Allele origin: germline. Inheritance: Autosomal dominant inheritance. Affected: yes.
Comment: Based on the classification scheme VCGS_Germline_v1.3.4, this variant is classified as VUS-3A. Following criteria are met: 0103 - Dominant negative and loss-of-function are known mechanisms of disease for this gene and are associated with spastic paraplegia 4 (MIM#182601). Multiple loss of function variants have been reported, while a dominant negative mechanism has been stipulated for a small number of missense variants (ClinVar; PMID: 30006150). (I) 0107 - This gene is associated with autosomal dominant disease. (I) 0112 - The condition associated with this gene has incomplete penetrance (PMID: 30476002). (I) 0115 - Variants in this gene are known to have variable expressivity, with variable age of onset and disease severity (PMID: 30476002). (I) 0200 - Variant is predicted to result in a missense amino acid change from alanine to proline. As the first nucleotide of exon 9, this variant is also a non-canonical splice site variant. However, RNA studies performed on whole blood demonstrated no splicing defects (Splicing Diagnostics, Kids Neuroscience Centre). (I) 0251 - This variant is heterozygous. (I) 0301 - Variant is absent from gnomAD (both v2 and v3). (SP) 0501 - Missense variant consistently predicted to be damaging by multiple in silico tools or highly conserved with a major amino acid change. (SP) 0603 - Missense variant in a region that is highly intolerant to missense variation (high constraint region in DECIPHER). (SP) 0705 - No comparable missense variants have previous evidence for pathogenicity. (I) 0809 - Previous evidence of pathogenicity for this variant is inconclusive. This variant has been classified as a VUS by multiple clinical laboratories in ClinVar, as well as one likely pathogenic entry. (I) 0905 - No published segregation evidence has been identified for this variant. (I) 1007 - No published functional evidence has been identified for this variant. (I) Legend: (SP) - Supporting pathogenic, (I) - Information, (SB) - Supporting benign

GeneDx
Classification: Likely pathogenic. Last evaluated: 2023-07-25. Review status: criteria provided, single submitter. Criteria: GeneDx Variant Classification Process June 2021. Collection method: clinical testing. Allele origin: germline. Affected: yes.
Comment: Not observed in large population cohorts (gnomAD); In silico analysis, which includes protein predictors and evolutionary conservation, supports a deleterious effect; In addition, in silico splice predictors suggest this variant may lead to abnormal gene splicing. In the absence of RNA/functional studies, the actual effect of this sequence change is unknown; This variant is associated with the following publications: (PMID: 34906502, 21139634, 26094131)

Athena Diagnostics
Classification: Uncertain significance. Last evaluated: 2018-06-18. Review status: criteria provided, single submitter. Criteria: Athena Diagnostics Criteria. Collection method: clinical testing. Allele origin: germline.

Kids Neuroscience Centre, Sydney Children's Hospitals Network
Classification: Uncertain significance for Hereditary spastic paraplegia 4. Review status: no assertion criteria provided. Collection method: clinical testing. Allele origin: paternal, unknown. Inheritance: Autosomal dominant inheritance. Affected: yes and no. Observed: 2 heterozygotes. Not counted in ClinVar's aggregate classification.
Comment: No evidence for mis-splicing of SPAST transcripts induced by the c.1174G>C variant.

Literature cited by the submitters: PubMed 34906502 (cited by Labcorp Genetics (formerly Invitae), Labcorp); PubMed 30006150 (cited by Victorian Clinical Genetics Services, Murdoch Childrens Research Institute); PubMed 30476002 (cited by Victorian Clinical Genetics Services, Murdoch Childrens Research Institute).